The following is an entry in ClinVar:

ClinVar aggregate classification (germline): Uncertain significance. Review status: criteria provided, multiple submitters, no conflicts (2 of 4 stars). 3 submissions from 3 submitters: Uncertain significance (3). Last evaluated 2023-11-28.

Conditions:
Cardiovascular phenotype. Identifiers: MedGen CN230736.
Dilated cardiomyopathy 1JJ (CMD1JJ). Identifiers: Orphanet 154, MedGen C3808935, MONDO:0014095, OMIM 615235.

Submissions (3):

Ambry Genetics
Classification: Uncertain significance for Cardiovascular phenotype. Last evaluated: 2023-11-28. Review status: criteria provided, single submitter. Criteria: Ambry Variant Classification Scheme 2023. Collection method: clinical testing. Allele origin: germline.
Comment: The p.A1034G variant (also known as c.3101C>G), located in coding exon 23 of the LAMA4 gene, results from a C to G substitution at nucleotide position 3101. The alanine at codon 1034 is replaced by glycine, an amino acid with similar properties. This amino acid position is conserved. In addition, the in silico prediction for this alteration is inconclusive. The evidence for this gene-disease relationship is limited; therefore, the clinical significance of this alteration is unclear.

Labcorp Genetics (formerly Invitae), Labcorp
Classification: Uncertain significance for Dilated cardiomyopathy 1JJ. Last evaluated: 2020-03-04. Review status: criteria provided, single submitter. Criteria: Invitae Variant Classification Sherloc (09022015). Collection method: clinical testing. Allele origin: germline.
Comment: This variant is not present in population databases (ExAC no frequency). This variant has not been reported in the literature in individuals with LAMA4-related conditions. ClinVar contains an entry for this variant (Variation ID: 213592). Algorithms developed to predict the effect of missense changes on protein structure and function (SIFT, PolyPhen-2, Align-GVGD) all suggest that this variant is likely to be disruptive, but these predictions have not been confirmed by published functional studies and their clinical significance is uncertain. In summary, the available evidence is currently insufficient to determine the role of this variant in disease. Therefore, it has been classified as a Variant of Uncertain Significance. This sequence change replaces alanine with glycine at codon 1034 of the LAMA4 protein (p.Ala1034Gly). The alanine residue is highly conserved and there is a small physicochemical difference between alanine and glycine.

GeneDx
Classification: Uncertain significance. Last evaluated: 2014-07-11. Review status: criteria provided, single submitter. Criteria: GeneDx Variant Classification (06012015). Collection method: clinical testing. Allele origin: germline. Affected: yes.
Comment: p.Ala1034Gly (GCC>GGC): c.3101 C>G in exon 24 of the LAMA4 gene (NM_002290.3). A variant of unknown significance has been identified in the LAMA4 gene. The A1034G variant has not been published as a mutation or as a benign polymorphism to our knowledge. The A1034G variant was not observed in approximately 6,500 individuals of European and African American ancestry in the NHLBI Exome Sequencing Project, indicating it is not a common benign variant in these populations. In addition, this substitution occurs at a position that is completely conserved across species. Nevertheless, in silico analysis is inconsistent in its predictions as to whether or not the variant is damaging to the protein structure/function.. Moreover, the A1034G variant is a conservative amino acid substitution, which is not likely to impact secondary protein structure as these residues share similar properties. Therefore, based on the currently available information, it is unclear whether this variant is a pathogenic mutation or a rare benign variant. This variant was found in CARDIOMYOPATHY

NM_001105206.3(LAMA4):c.3122C>G (p.Ala1041Gly)

Gene: LAMA4 (laminin subunit alpha 4; minus strand). Cytogenetic location: 6q21.
Variant type: single nucleotide variant.
Coding change: c.3122C>G on transcript NM_001105206.3 (MANE Select); coding-DNA position 3122, C replaced by G.
Protein change: p.Ala1041Gly; replaces alanine 1041 with glycine.
Molecular consequence: missense variant.
Genome position (GRCh38, 1-based): chr6:112,139,280, G>C on the plus strand (C>G on the coding strand, the complement: LAMA4 is on the minus strand). VCF-style: chr6-112139280-G-C. GRCh37 (hg19) VCF-style: chr6-112460482-G-C.
Other names: p.A1034G:GCC>GGC; c.3101C>G, p.Ala1034Gly (NM_001105207.3, NM_002290.5); short protein forms A1034G, A1041G.
Identifiers: ClinVar variation 213592 (VCV000213592.12), dbSNP rs863223687, ClinGen allele CA322218.
Genomic context (GRCh38, chr6:112,139,280, plus strand): 5'-CTCACCACGGCATAACCGGAGCCATCGAAGAAGTAACTGGCAGCCCGACTCTGAGTGAAG[G>C]CCAGCTTATCTCTGAAATGGAAACACAACGGTCATTTGAACACTACAGTTTCTGTTATGC-3'
Protein context (NP_001098676.2, residues 1031-1051): TSVPCARDKL[Ala1041Gly]FTQSRAASYF